The following is an entry in ClinVar:

ClinVar aggregate classification (germline): Benign/Likely benign. Review status: criteria provided, multiple submitters, no conflicts (2 of 4 stars). 3 submissions from 3 submitters: Benign (1); Likely benign (2). Last evaluated 2025-10-15.

Conditions:
Hereditary cancer-predisposing syndrome. Also called: Neoplastic Syndromes, Hereditary; Hereditary Cancer Syndrome; Tumor predisposition; Hereditary neoplastic syndrome. Identifiers: Orphanet 140162, MedGen C0027672, MeSH D009386, MONDO:0015356.
Multiple endocrine neoplasia type 2A. Also called: MULTIPLE ENDOCRINE NEOPLASIA, TYPE IIA; PTC SYNDROME; SIPPLE SYNDROME; MEN 2A; MEN-2A syndrome; Pheochromocytoma and amyloid producing medullary thyroid carcinoma. Identifiers: Orphanet 247698, Orphanet 653, MedGen C0025268, MeSH D018813, MONDO:0008234, OMIM 171400.
Multiple endocrine neoplasia, type 2 (MEN2). Identifiers: Orphanet 653, MedGen C4048306, MONDO:0019003. Disease mechanism: gain of function.

Allele frequency attached by ClinVar (database versions not stated): gnomAD exomes below 0.00001.
gnomAD v4.1: 2 of 1,613,412 alleles (0.00012%); highest among the groups gnomAD compares: Non-Finnish European, 0.00017%; no homozygotes.

Submissions (3):

Ambry Genetics
Classification: Likely benign for Hereditary cancer-predisposing syndrome. Last evaluated: 2025-10-15. Review status: criteria provided, single submitter. Criteria: Ambry Variant Classification Scheme 2023. Collection method: clinical testing. Allele origin: germline.

Myriad Genetics, Inc.
Classification: Benign for Multiple endocrine neoplasia type 2A. Last evaluated: 2025-02-26. Review status: criteria provided, single submitter. Criteria: Myriad Autosomal Dominant, Autosomal Recessive and X-Linked Classification Criteria (2023). Collection method: clinical testing. Allele origin: unknown.
Comment: This variant is considered benign. This variant is a silent/synonymous amino acid change and it is not expected to impact splicing.

Labcorp Genetics (formerly Invitae), Labcorp
Classification: Likely benign for Multiple endocrine neoplasia, type 2. Last evaluated: 2023-10-28. Review status: criteria provided, single submitter. Criteria: Invitae Variant Classification Sherloc (09022015). Collection method: clinical testing. Allele origin: germline.

NM_020975.6(RET):c.1833C>T (p.Cys611=)

Gene: RET (ret proto-oncogene; plus strand). Cytogenetic location: 10q11.21.
Variant type: single nucleotide variant.
Coding change: c.1833C>T on transcript NM_020975.6 (MANE Select); coding-DNA position 1833, C replaced by T.
Protein change: p.Cys611=; no amino-acid change (cysteine 611 retained).
Molecular consequence: synonymous variant. On other transcripts: intron variant (2).
Genome position (GRCh38, 1-based): chr10:43,113,629, C>T. VCF-style: chr10-43113629-C-T. GRCh37 (hg19) VCF-style: chr10-43609077-C-T.
Other names: c.1833C>T, p.Cys611= (NM_000323.2, NM_001406743.1, NM_001406744.1 and 6 more transcripts); c.1071C>T, p.Cys357= (NM_001355216.2); c.1704C>T, p.Cys568= (NM_001406761.1, NM_001406762.1, NM_001406764.1 and 1 more transcripts); c.1545C>T, p.Cys515= (NM_001406766.1, NM_001406767.1, NM_001406770.1); c.1437C>T, p.Cys479= (NM_001406769.1, NM_001406772.1); c.1395C>T, p.Cys465= (NM_001406771.1, NM_001406773.1); c.1308C>T, p.Cys436= (NM_001406774.1); c.1107C>T, p.Cys369= (NM_001406775.1, NM_001406776.1, NM_001406777.1 and 1 more transcripts); and 7 more.
Identifiers: ClinVar variation 543771 (VCV000543771.12), dbSNP rs80069458, ClinGen allele CA469027872.